The following is an entry in ClinVar:

ClinVar aggregate classification (germline): Uncertain significance. Review status: criteria provided, multiple submitters, no conflicts (2 of 4 stars). 3 submissions from 3 submitters: Uncertain significance (3). Last evaluated 2025-10-26.

Conditions:
TTN-related disorder. Also called: TTN-related disorders; TTN-related condition; TTN-related disease.
Cardiovascular phenotype. Identifiers: MedGen CN230736.
Autosomal recessive limb-girdle muscular dystrophy type 2J (LGMDR10). Also called: Limb-girdle muscular dystrophy, type 2J; MUSCULAR DYSTROPHY, LIMB-GIRDLE, AUTOSOMAL RECESSIVE 10. Identifiers: Orphanet 140922, MedGen C1837342, MONDO:0012127, OMIM 608807.
Dilated cardiomyopathy 1G (CMD1G). Identifiers: Orphanet 154, MedGen C1858763, MONDO:0011400, OMIM 604145.

Allele frequency attached by ClinVar (database versions not stated): gnomAD 0.00001; gnomAD exomes 0.00001 and 0.00002; TOPMed 0.00002.

Submissions (3):

PreventionGenetics, part of Exact Sciences
Classification: Uncertain significance for TTN-related condition. Last evaluated: 2025-10-26. Review status: criteria provided, single submitter. Criteria: ACMG Guidelines, 2015. Collection method: clinical testing. Allele origin: germline.
Comment: The TTN c.94634G>A variant is predicted to result in the amino acid substitution p.Arg31545His. To our knowledge, this variant has not been reported in the literature. This variant is reported in 0.0065% of alleles in individuals of African descent in gnomAD. At this time, the clinical significance of this variant is uncertain due to the absence of conclusive functional and genetic evidence.

Ambry Genetics
Classification: Uncertain significance for Cardiovascular phenotype. Last evaluated: 2020-06-23. Review status: criteria provided, single submitter. Criteria: Ambry Variant Classification Scheme 2023. Collection method: clinical testing. Allele origin: germline.
Comment: The p.R22480H variant (also known as c.67439G>A), located in coding exon 168 of the TTN gene, results from a G to A substitution at nucleotide position 67439. The arginine at codon 22480 is replaced by histidine, an amino acid with highly similar properties. This amino acid position is highly conserved in available vertebrate species. In addition, this alteration is predicted to be tolerated by in silico analysis. Since supporting evidence is limited at this time, the clinical significance of this alteration remains unclear.

Labcorp Genetics (formerly Invitae), Labcorp
Classification: Uncertain significance for Dilated cardiomyopathy 1G; Autosomal recessive limb-girdle muscular dystrophy type 2J. Last evaluated: 2016-11-24. Review status: criteria provided, single submitter. Criteria: Invitae Variant Classification Sherloc (09022015). Collection method: clinical testing. Allele origin: germline.

NM_001267550.2(TTN):c.94634G>A (p.Arg31545His)

Genes: TTN (titin; minus strand), TTN-AS1 (TTN antisense RNA 1; plus strand). Cytogenetic location: 2q31.2.
Variant type: single nucleotide variant.
Coding change: c.94634G>A on transcript NM_001267550.2 (MANE Select); coding-DNA position 94634, G replaced by A.
Protein change: p.Arg31545His; replaces arginine 31545 with histidine.
Molecular consequence: missense variant.
Genome position (GRCh38, 1-based): chr2:178,546,794, C>T on the plus strand (G>A on the coding strand, the complement: TTN is on the minus strand). VCF-style: chr2-178546794-C-T. GRCh37 (hg19) VCF-style: chr2-179411521-C-T.
Other names: c.89711G>A, p.Arg29904His (NM_001256850.1); c.67439G>A, p.Arg22480His (NM_003319.4); c.86930G>A, p.Arg28977His (NM_133378.4); c.67814G>A, p.Arg22605His (NM_133432.3); c.68015G>A, p.Arg22672His (NM_133437.4); short protein forms R31545H, R22605H, R22672H, R28977H, R22480H, R29904H.
Identifiers: ClinVar variation 404663 (VCV000404663.6), dbSNP rs920039018, ClinGen allele CA16610309.